The following is an entry in ClinVar:

NM_001297.5(CNGB1):c.2544dup (p.Leu849fs)

Gene: CNGB1 (cyclic nucleotide gated channel subunit beta 1; minus strand). Cytogenetic location: 16q21.
Variant type: Duplication.
Coding change: c.2544dup on transcript NM_001297.5 (MANE Select); coding-DNA position 2544, one base duplicated (G; older notation c.2544dupG).
Protein change: p.Leu849fs; shifts the reading frame from leucine 849.
Molecular consequence: frameshift variant.
Genome position (GRCh38, 1-based): chr16:57,904,824, C duplicated on the plus strand (G on the coding strand, the reverse complement: CNGB1 is on the minus strand); the first of 6 consecutive C bases (chr16:57,904,824-57,904,829); duplicating any one gives the same sequence. VCF-style (leftmost placement, unchanged base first): chr16-57904823-G-GC. GRCh37 (hg19) VCF-style: chr16-57938727-G-GC.
Other names: c.2526dup, p.Leu843fs (NM_001286130.2); c.2544dup (NM_001297.4); short protein forms L849fs, L843fs.
Identifiers: ClinVar variation 236511 (VCV000236511.20), dbSNP rs760430056, ClinGen allele CA8082930.

ClinVar aggregate classification (germline): Pathogenic/Likely pathogenic. Review status: criteria provided, multiple submitters, no conflicts (2 of 4 stars). 10 submissions from 10 submitters: Pathogenic (5); Likely pathogenic (2). 3 of the submissions do not count toward it. Last evaluated 2026-03-01.

Conditions:
CNGB1-related disorder. Also called: CNGB1-related condition.
Retinal dystrophy. Also called: Inherited retinal dystrophy. Identifiers: Orphanet 71862, MedGen C0854723, MeSH D058499, MONDO:0019118, HP:0000556.
Retinitis pigmentosa (RP). Identifiers: Orphanet 791, MedGen C0035334, MeSH D012174, MONDO:0019200, OMIM 268000. Inheritance: Autosomal dominant, autosomal recessive and X linked inheritance.
Retinitis pigmentosa 45 (RP45). Identifiers: Orphanet 791, MedGen C3151066, MONDO:0013413, OMIM 613767.

Submissions (10):

PreventionGenetics, part of Exact Sciences
Classification: Pathogenic for CNGB1-related condition. Last evaluated: 2026-03-01. Review status: criteria provided, single submitter. Criteria: ACMG Guidelines, 2015. Collection method: clinical testing. Allele origin: germline.
Comment: The CNGB1 c.2544dupG variant is predicted to result in a frameshift and premature protein termination (p.Leu849Alafs*3). This variant has been reported in individuals with autosomal recessive retinitis pigmentosa (Ge et al. 2015. PubMed ID: 26667666; Lingao et al. 2016. PubMed ID: 26894784; Hull et al. 2017. PubMed ID: 28056120). This variant is reported in 0.0078% of alleles in individuals of European (Non-Finnish) descent in gnomAD. Frameshift variants in CNGB1 are expected to be pathogenic. This variant is interpreted as pathogenic.

3billion
Classification: Pathogenic for Retinitis pigmentosa 45. Last evaluated: 2025-11-04. Review status: criteria provided, single submitter. Criteria: ACMG Guidelines, 2015. Collection method: clinical testing. Allele origin: germline. Affected: yes.
Comment: The variant is observed at an extremely low frequency in the gnomAD v4.1.0 dataset (total allele frequency: 0.012%). Predicted Consequence/Location: Frameshift: predicted to result in a loss or disruption of normal protein function through nonsense-mediated decay (NMD) or protein truncation. Multiple pathogenic variants are reported downstream of the variant. The variant has been reported to be in trans with a pathogenic variant as either compound heterozygous or homozygous in at least one similarly affected unrelated individual (PMID: 26667666, 28056120). The variant has been reported to co-segregate with the disease in at least one similarly affected relative/individual in the same family or similarly affected unrelated families (PMID: 26894784). The variant has been reported at least twice as pathogenic with clinical assertions and evidence for the classification (ClinVar ID: VCV000236511 /PMID: 26667666). Therefore, this variant is classified as Pathogenic according to the recommendation of ACMG/AMP guideline.

Labcorp Genetics (formerly Invitae), Labcorp
Classification: Pathogenic. Last evaluated: 2024-10-03. Review status: criteria provided, single submitter. Criteria: Invitae Variant Classification Sherloc (09022015). Collection method: clinical testing. Allele origin: germline.
Comment: This sequence change creates a premature translational stop signal (p.Leu849Alafs*3) in the CNGB1 gene. It is expected to result in an absent or disrupted protein product. Loss-of-function variants in CNGB1 are known to be pathogenic (PMID: 15557452, 24043777). This variant is present in population databases (rs760430056, gnomAD 0.009%). This premature translational stop signal has been observed in individuals with inherited retinal disease (PMID: 26667666, 26894784, 28056120). ClinVar contains an entry for this variant (Variation ID: 236511). For these reasons, this variant has been classified as Pathogenic.

Fulgent Genetics
Classification: Pathogenic for Retinitis pigmentosa 45. Last evaluated: 2024-01-18. Review status: criteria provided, single submitter. Criteria: ACMG Guidelines, 2015. Collection method: clinical testing. Allele origin: germline.

Blueprint Genetics
Classification: Pathogenic for CNGB1-related disorders. Last evaluated: 2022-09-08. Review status: criteria provided, single submitter. Criteria: ACMG Guidelines, 2015. Collection method: clinical testing. Allele origin: germline. Affected: yes. Observed: 5 variant alleles.

Ocular Genomics Institute, Massachusetts Eye and Ear
Classification: Likely pathogenic for Retinitis pigmentosa 45. Last evaluated: 2021-04-08. Review status: criteria provided, single submitter. Criteria: ACMG Guidelines, 2015. Collection method: research. Allele origin: germline. Affected: yes.
Comment: Through a review of available evidence we were able to apply the following criteria: PVS1, PM2. Based on this evidence we have classified this variant as Likely Pathogenic.

Broad Center for Mendelian Genomics, Broad Institute of MIT and Harvard
Classification: Likely pathogenic for Retinitis pigmentosa. Last evaluated: 2021-04-01. Review status: criteria provided, single submitter. Criteria: ACMG Guidelines, 2015. Collection method: curation. Allele origin: germline. Inheritance: Autosomal recessive inheritance. Affected: yes.
Comment: Through a review of available evidence we were able to apply the following criteria: PVS1, PM2. Based on this evidence we have classified this variant as Likely pathogenic. If you have any questions about the classification please reach out to the Pierce Lab.

Centre for Genomic Medicine, Manchester, Central Manchester University Hospitals
Classification: Likely pathogenic for Retinal dystrophy. Review status: no assertion criteria provided. Collection method: clinical testing. Allele origin: germline. Affected: yes. Not counted in ClinVar's aggregate classification.

Clinical Genetics DNA and cytogenetics Diagnostics Lab, Erasmus MC, Erasmus Medical Center
Classification: Pathogenic. Review status: no assertion criteria provided. Collection method: clinical testing. Allele origin: germline. Affected: yes. Study: VKGL Data-share Consensus. Not counted in ClinVar's aggregate classification.

Clinical Genetics, Academic Medical Center
Classification: Pathogenic. Review status: no assertion criteria provided. Collection method: clinical testing. Allele origin: germline. Affected: yes. Study: VKGL Data-share Consensus. Not counted in ClinVar's aggregate classification.

Literature cited by the submitters: PubMed 26894784 (cited by 3billion and Labcorp Genetics (formerly Invitae), Labcorp); PubMed 26667666 (cited by 3billion and Labcorp Genetics (formerly Invitae), Labcorp); PubMed 28056120 (cited by 3billion and Labcorp Genetics (formerly Invitae), Labcorp); PubMed 15557452 (cited by Labcorp Genetics (formerly Invitae), Labcorp); PubMed 24043777 (cited by Labcorp Genetics (formerly Invitae), Labcorp); PubMed 34906470 (cited by Broad Center for Mendelian Genomics, Broad Institute of MIT and Harvard).